The following is an entry in ClinVar:

NM_001291867.2(NHS):c.3479C>T (p.Thr1160Ile)

Gene: NHS (NHS actin remodeling regulator; plus strand). Cytogenetic location: Xp22.13.
Variant type: single nucleotide variant.
Coding change: c.3479C>T on transcript NM_001291867.2 (MANE Select); coding-DNA position 3479, C replaced by T.
Protein change: p.Thr1160Ile; replaces threonine 1160 with isoleucine.
Molecular consequence: missense variant.
Genome position (GRCh38, 1-based): chrX:17,727,585, C>T. VCF-style: chrX-17727585-C-T. GRCh37 (hg19) VCF-style: chrX-17745705-C-T.
Other names: c.2948C>T, p.Thr983Ile (NM_001136024.4); c.2885C>T, p.Thr962Ile (NM_001291868.2); c.3416C>T, p.Thr1139Ile (NM_198270.4); c.3416C>T (NM_198270.2); short protein forms T1160I, T1139I, T983I, T962I.
Identifiers: ClinVar variation 1449196 (VCV001449196.9), dbSNP rs752248694, ClinGen allele CA10358825.

ClinVar aggregate classification (germline): Conflicting classifications of pathogenicity. Review status: criteria provided, conflicting classifications (1 of 4 stars). 2 submissions from 2 submitters: Uncertain significance (1); Likely benign (1). Last evaluated 2026-01-05.

Conditions:
Inborn genetic diseases. Identifiers: MedGen C0950123, MeSH D030342.
Nance-Horan syndrome (NHS). Identifiers: Orphanet 627, MedGen C0796085, MONDO:0010545, OMIM 302350.

Allele frequency attached by ClinVar (database versions not stated): gnomAD exomes 0.00001 and 0.00002; ExAC 0.00003; TOPMed 0.00003; gnomAD 0.00004.
gnomAD v4.1: 11 of 1,209,693 alleles (0.00091%); highest among the groups gnomAD compares: African/African-American, 0.012%; no homozygotes.

Submissions (2):

Labcorp Genetics (formerly Invitae), Labcorp
Classification: Uncertain significance for Nance-Horan syndrome. Last evaluated: 2026-01-05. Review status: criteria provided, single submitter. Criteria: Invitae Variant Classification Sherloc (09022015). Collection method: clinical testing. Allele origin: germline.
Comment: This sequence change replaces threonine, which is neutral and polar, with isoleucine, which is neutral and non-polar, at codon 1139 of the NHS protein (p.Thr1139Ile). The frequency data for this variant in the population databases is considered unreliable, as metrics indicate poor data quality at this position in the gnomAD database. This variant has not been reported in the literature in individuals affected with NHS-related conditions. ClinVar contains an entry for this variant (Variation ID: 1449196). Invitae Evidence Modeling of protein sequence and biophysical properties (such as structural, functional, and spatial information, amino acid conservation, physicochemical variation, residue mobility, and thermodynamic stability) indicates that this missense variant is not expected to disrupt NHS protein function with a negative predictive value of 80%. In summary, the available evidence is currently insufficient to determine the role of this variant in disease. Therefore, it has been classified as a Variant of Uncertain Significance.

Ambry Genetics
Classification: Likely benign for Inborn genetic diseases. Last evaluated: 2025-08-28. Review status: criteria provided, single submitter. Criteria: Ambry Variant Classification Scheme 2023. Collection method: clinical testing. Allele origin: germline.